The following is an entry in ClinVar:

ClinVar aggregate classification (germline): Benign/Likely benign. Review status: criteria provided, multiple submitters, no conflicts (2 of 4 stars). 4 submissions from 4 submitters: Benign (1); Likely benign (2). 1 of the submissions does not count toward it. Last evaluated 2025-10-01.

Conditions:
TGM5-related disorder. Also called: TGM5-related condition.
Acral peeling skin syndrome. Also called: Peeling skin syndrome 2. Identifiers: Orphanet 263534, MedGen C1853354, MONDO:0012345, OMIM 609796.

Allele frequency attached by ClinVar (database versions not stated): gnomAD exomes 0.00078 and 0.00223; ExAC 0.00286; 1000 Genomes Project 0.00759; 1000 Genomes Project 30x 0.00812; gnomAD 0.00892 and 0.00965; TOPMed 0.00991; ESP Exome Variant Server 0.01069.
gnomAD v4.1: 2,545 of 1,614,222 alleles (0.16%); highest among the groups gnomAD compares: African/African-American, 3.1%; 39 homozygotes.

Submissions (4):

CeGaT Center for Human Genetics Tuebingen
Classification: Benign. Last evaluated: 2025-10-01. Review status: criteria provided, single submitter. Criteria: CeGaT Center For Human Genetics Tuebingen Variant Classification Criteria Version 2. Collection method: clinical testing. Allele origin: germline. Affected: yes. Observed: 2 variant alleles.
Comment: TGM5: BP4, BS1, BS2

Illumina Laboratory Services, Illumina
Classification: Likely benign for Acral peeling skin syndrome. Last evaluated: 2017-04-28. Review status: criteria provided, single submitter. Criteria: ICSL Variant Classification Criteria 13 December 2019. Collection method: clinical testing. Allele origin: germline.
Comment: This variant was observed as part of a predisposition screen in an ostensibly healthy population. A literature search was performed for the gene, cDNA change, and amino acid change (where applicable). No publications were found based on this search. Allele frequency data from public databases allowed determination this variant is unlikely to cause disease. Therefore, this variant is classified as likely benign.

Breakthrough Genomics
Classification: Likely benign. Review status: criteria provided, single submitter. Criteria: ACMG Guidelines, 2015. Collection method: not provided. Allele origin: germline. Inheritance: Autosomal recessive inheritance. Affected: yes.

PreventionGenetics, part of Exact Sciences
Classification: Benign for TGM5-related condition. Last evaluated: 2024-03-04. Review status: no assertion criteria provided. Collection method: clinical testing. Allele origin: germline. Not counted in ClinVar's aggregate classification.
Comment: This variant is classified as benign based on ACMG/AMP sequence variant interpretation guidelines (Richards et al. 2015 PMID: 25741868, with internal and published modifications).

NM_201631.4(TGM5):c.1820A>C (p.Glu607Ala)

Gene: TGM5 (transglutaminase 5; minus strand). Cytogenetic location: 15q15.2.
Variant type: single nucleotide variant.
Coding change: c.1820A>C on transcript NM_201631.4 (MANE Select); coding-DNA position 1820, A replaced by C.
Protein change: p.Glu607Ala; replaces glutamic acid 607 with alanine.
Molecular consequence: missense variant.
Genome position (GRCh38, 1-based): chr15:43,234,824, T>G on the plus strand (A>C on the coding strand, the complement: TGM5 is on the minus strand). VCF-style: chr15-43234824-T-G. GRCh37 (hg19) VCF-style: chr15-43527022-T-G.
Other names: c.1574A>C, p.Glu525Ala (NM_004245.4); short protein forms E607A, E525A.
Identifiers: ClinVar variation 316038 (VCV000316038.26), dbSNP rs80192997, ClinGen allele CA7520882.